The following is an entry in ClinVar:

ClinVar aggregate classification (germline): Uncertain significance (1 of 4 stars; one submission).

Conditions:
Cardiovascular phenotype. Identifiers: MedGen CN230736.

Submission:

Ambry Genetics
Classification: Uncertain significance for Cardiovascular phenotype. Last evaluated: 2022-11-07. Review status: criteria provided, single submitter. Criteria: Ambry Variant Classification Scheme 2023. Collection method: clinical testing. Allele origin: germline.
Comment: The p.I2919M variant (also known as c.8757C>G), located in coding exon 38 of the ANK2 gene, results from a C to G substitution at nucleotide position 8757. The isoleucine at codon 2919 is replaced by methionine, an amino acid with highly similar properties. This amino acid position is conserved. In addition, this alteration is predicted to be tolerated by in silico analysis. Since supporting evidence is limited at this time, the clinical significance of this alteration remains unclear.

NM_001148.6(ANK2):c.8757C>G (p.Ile2919Met)

Gene: ANK2 (ankyrin 2; plus strand). Cytogenetic location: 4q26.
Variant type: single nucleotide variant.
Coding change: c.8757C>G on transcript NM_001148.6 (MANE Select); coding-DNA position 8757, C replaced by G.
Protein change: p.Ile2919Met; replaces isoleucine 2919 with methionine.
Molecular consequence: missense variant. On other transcripts: intron variant (68).
Genome position (GRCh38, 1-based): chr4:113,357,375, C>G. VCF-style: chr4-113357375-C-G. GRCh37 (hg19) VCF-style: chr4-114278531-C-G.
Other names: c.8523C>G, p.Ile2841Met (NM_001386142.1); c.5157C>G, p.Ile1719Met (NM_001386166.1); c.8898C>G, p.Ile2966Met (NM_001386174.1); c.8874C>G, p.Ile2958Met (NM_001386175.1); c.4412-3448C>G (NM_001386186.2, NM_001386148.2); c.4214-3448C>G (NM_001354269.3); c.4292-3448C>G (NM_001386187.2); c.4253-3448C>G (NM_001386147.1); and 35 more; short protein forms I2919M, I1719M, I2958M, I2966M, I2841M.
Identifiers: ClinVar variation 2450622 (VCV002450622.2), dbSNP rs2505892491, ClinGen allele CA357934761.
Genomic context (GRCh38, chr4:113,357,375, plus strand): 5'-TCAAACAGATAGATTTTCCATGGATGTTCCCGTGTCTGACCTAGCTGAGAATGATGAAAT[C>G]TATGATCCACAAATCACTAGCCCTTATGAAAATGTCCCTTCCCAATCTTTTTTCTCTAGT-3'
Protein context (NP_001139.3, residues 2909-2929): PVSDLAENDE[Ile2919Met]YDPQITSPYE